The following is an entry in ClinVar:

NM_014918.5(CHSY1):c.1718A>G (p.Asn573Ser)

Gene: CHSY1 (chondroitin sulfate synthase 1; minus strand). Cytogenetic location: 15q26.3.
Variant type: single nucleotide variant.
Coding change: c.1718A>G on transcript NM_014918.5 (MANE Select); coding-DNA position 1718, A replaced by G.
Protein change: p.Asn573Ser; replaces asparagine 573 with serine.
Molecular consequence: missense variant.
Genome position (GRCh38, 1-based): chr15:101,178,079, T>C on the plus strand (A>G on the coding strand, the complement: CHSY1 is on the minus strand). VCF-style: chr15-101178079-T-C. GRCh37 (hg19) VCF-style: chr15-101718284-T-C.
Other names: short protein forms N573S.
Identifiers: ClinVar variation 1317159 (VCV001317159.4), dbSNP rs372414536, ClinGen allele CA7762472.
Genomic context (GRCh38, chr15:101,178,079, plus strand): 5'-TTAATGCGGTAATCTCTCATCAGTTCAACTTGTTTGGCCTTGTCAGGGTTGGAGTCAGAA[T>C]TGAAAAGCAGAACCACGAGCTTGACGTTCTGATTGGGGATAAGACACGTCTTCTCAAAGT-3'
Protein context (NP_055733.2, residues 563-583): QNVKLVVLLF[Asn573Ser]SDSNPDKAKQ

ClinVar aggregate classification (germline): Uncertain significance. Review status: criteria provided, multiple submitters, no conflicts (2 of 4 stars). 3 submissions from 3 submitters: Uncertain significance (3). Last evaluated 2024-12-30.

Conditions:
Temtamy preaxial brachydactyly syndrome (TPBS). Identifiers: Orphanet 363417, MedGen C1854466, MONDO:0011533, OMIM 605282.
Inborn genetic diseases. Identifiers: MedGen C0950123, MeSH D030342.

Allele frequency attached by ClinVar (database versions not stated): gnomAD 0.00004; ExAC 0.00007; TOPMed 0.00007; gnomAD exomes 0.00009.
gnomAD v4.1: 46 of 1,614,026 alleles (0.0029%); highest among the groups gnomAD compares: East Asian, 0.04%; no homozygotes.

Submissions (3):

Ambry Genetics
Classification: Uncertain significance for Inborn genetic diseases. Last evaluated: 2024-12-30. Review status: criteria provided, single submitter. Criteria: Ambry Variant Classification Scheme 2023. Collection method: clinical testing. Allele origin: germline.

Fulgent Genetics
Classification: Uncertain significance for Temtamy preaxial brachydactyly syndrome. Last evaluated: 2021-07-15. Review status: criteria provided, single submitter. Criteria: ACMG Guidelines, 2015. Collection method: clinical testing. Allele origin: unknown.

GeneDx
Classification: Uncertain significance. Last evaluated: 2021-04-13. Review status: criteria provided, single submitter. Criteria: GeneDx Variant Classification Process June 2021. Collection method: clinical testing. Allele origin: germline. Affected: yes.
Comment: In silico analysis supports that this missense variant does not alter protein structure/function; Has not been previously published as pathogenic or benign to our knowledge